The following is an entry in ClinVar:

NM_006208.3(ENPP1):c.2029C>A (p.His677Asn)

Gene: ENPP1 (ectonucleotide pyrophosphatase/phosphodiesterase 1; plus strand). Cytogenetic location: 6q23.2.
Variant type: single nucleotide variant.
Coding change: c.2029C>A on transcript NM_006208.3 (MANE Select); coding-DNA position 2029, C replaced by A.
Protein change: p.His677Asn; replaces histidine 677 with asparagine.
Molecular consequence: missense variant.
Genome position (GRCh38, 1-based): chr6:131,879,963, C>A. VCF-style: chr6-131879963-C-A. GRCh37 (hg19) VCF-style: chr6-132201103-C-A.
Other names: short protein forms H677N.
Identifiers: ClinVar variation 2972223 (VCV002972223.3), dbSNP rs573531255, ClinGen allele CA4002399.

ClinVar aggregate classification (germline): Uncertain significance (1 of 4 stars; one submission).

Allele frequency attached by ClinVar (database versions not stated): gnomAD exomes below 0.00001; ExAC 0.00001; TOPMed 0.00001; gnomAD 0.00002; 1000 Genomes Project 30x 0.00016; 1000 Genomes Project 0.00020.
gnomAD v4.1: 6 of 1,613,860 alleles (0.00037%); highest among the groups gnomAD compares: African/African-American, 0.008%; no homozygotes.

Submission:

Labcorp Genetics (formerly Invitae), Labcorp
Classification: Uncertain significance. Last evaluated: 2023-11-24. Review status: criteria provided, single submitter. Criteria: Invitae Variant Classification Sherloc (09022015). Collection method: clinical testing. Allele origin: germline.
Comment: This sequence change replaces histidine, which is basic and polar, with asparagine, which is neutral and polar, at codon 677 of the ENPP1 protein (p.His677Asn). This variant is present in population databases (rs573531255, gnomAD 0.007%). This variant has not been reported in the literature in individuals affected with ENPP1-related conditions. Advanced modeling of protein sequence and biophysical properties (such as structural, functional, and spatial information, amino acid conservation, physicochemical variation, residue mobility, and thermodynamic stability) performed at Invitae indicates that this missense variant is not expected to disrupt ENPP1 protein function with a negative predictive value of 80%. Algorithms developed to predict the effect of sequence changes on RNA splicing suggest that this variant may create or strengthen a splice site. In summary, the available evidence is currently insufficient to determine the role of this variant in disease. Therefore, it has been classified as a Variant of Uncertain Significance.